The following is an entry in ClinVar:

NM_000135.4(FANCA):c.1746C>G (p.His582Gln)

Gene: FANCA (FA complementation group A; minus strand). Cytogenetic location: 16q24.3.
Variant type: single nucleotide variant.
Coding change: c.1746C>G on transcript NM_000135.4 (MANE Select); coding-DNA position 1746, C replaced by G.
Protein change: p.His582Gln; replaces histidine 582 with glutamine.
Molecular consequence: missense variant.
Genome position (GRCh38, 1-based): chr16:89,778,973, G>C on the plus strand (C>G on the coding strand, the complement: FANCA is on the minus strand). VCF-style: chr16-89778973-G-C. GRCh37 (hg19) VCF-style: chr16-89845381-G-C.
Other names: c.1746C>G, p.His582Gln (NM_001286167.3); short protein forms H582Q.
Identifiers: ClinVar variation 4254336 (VCV004254336.1).

ClinVar aggregate classification (germline): Uncertain significance (1 of 4 stars; one submission).

Conditions:
Inborn genetic diseases. Identifiers: MedGen C0950123, MeSH D030342.

Submission:

Ambry Genetics
Classification: Uncertain significance for Inborn genetic diseases. Last evaluated: 2025-09-06. Review status: criteria provided, single submitter. Criteria: Ambry Variant Classification Scheme 2023. Collection method: clinical testing. Allele origin: germline.
Comment: The p.H582Q variant (also known as c.1746C>G), located in coding exon 19 of the FANCA gene, results from a C to G substitution at nucleotide position 1746. The histidine at codon 582 is replaced by glutamine, an amino acid with highly similar properties. This amino acid position is conserved. In addition, the in silico prediction for this alteration is inconclusive. Based on the available evidence, the clinical significance of this variant remains unclear.